The following is an entry in ClinVar:

ClinVar aggregate classification (germline): Uncertain significance. Review status: criteria provided, multiple submitters, no conflicts (2 of 4 stars). 2 submissions from 2 submitters: Uncertain significance (2). Last evaluated 2026-02-01.

Conditions:
Neutropenia, severe congenital, 1, autosomal dominant. Identifiers: MedGen C1859966, MONDO:0042490, OMIM 202700.
Cyclical neutropenia. Also called: Cyclic hematopoiesis; Cyclic Neutropenia. Identifiers: Orphanet 2686, MedGen C0221023, MONDO:0008090, OMIM 162800, HP:0040289. Disease mechanism: loss of function.
Inborn genetic diseases. Identifiers: MedGen C0950123, MeSH D030342.

Allele frequency attached by ClinVar (database versions not stated): gnomAD exomes below 0.00001; TOPMed below 0.00001; gnomAD 0.00001.

Submissions (2):

Labcorp Genetics (formerly Invitae), Labcorp
Classification: Uncertain significance for Neutropenia, severe congenital, 1, autosomal dominant; Cyclical neutropenia. Last evaluated: 2026-02-01. Review status: criteria provided, single submitter. Criteria: Invitae Variant Classification Sherloc (09022015). Collection method: clinical testing. Allele origin: germline.
Comment: This sequence change replaces serine, which is neutral and polar, with leucine, which is neutral and non-polar, at codon 28 of the ELANE protein (p.Ser28Leu). This variant is not present in population databases (gnomAD no frequency). This variant has not been reported in the literature in individuals affected with ELANE-related conditions. ClinVar contains an entry for this variant (Variation ID: 3088124). Invitae Evidence Modeling of protein sequence and biophysical properties (such as structural, functional, and spatial information, amino acid conservation, physicochemical variation, residue mobility, and thermodynamic stability) has been performed for this missense variant. However, the output from this modeling did not meet the statistical confidence thresholds required to predict the impact of this variant on ELANE protein function. In summary, the available evidence is currently insufficient to determine the role of this variant in disease. Therefore, it has been classified as a Variant of Uncertain Significance.

Ambry Genetics
Classification: Uncertain significance for Inborn genetic diseases. Last evaluated: 2024-12-20. Review status: criteria provided, single submitter. Criteria: Ambry Variant Classification Scheme 2023. Collection method: clinical testing. Allele origin: germline.
Comment: The p.S28L variant (also known as c.83C>T), located in coding exon 2 of the ELANE gene, results from a C to T substitution at nucleotide position 83. The serine at codon 28 is replaced by leucine, an amino acid with dissimilar properties. This amino acid position is conserved. In addition, the in silico prediction for this alteration is inconclusive. Based on the available evidence, the clinical significance of this variant remains unclear.

NM_001972.4(ELANE):c.83C>T (p.Ser28Leu)

Gene: ELANE (elastase, neutrophil expressed; plus strand). Cytogenetic location: 19p13.3.
Variant type: single nucleotide variant.
Coding change: c.83C>T on transcript NM_001972.4 (MANE Select); coding-DNA position 83, C replaced by T.
Protein change: p.Ser28Leu; replaces serine 28 with leucine.
Molecular consequence: missense variant.
Genome position (GRCh38, 1-based): chr19:852,891, C>T. VCF-style: chr19-852891-C-T. GRCh37 (hg19) VCF-style: chr19-852891-C-T.
Other names: short protein forms S28L.
Identifiers: ClinVar variation 3088124 (VCV003088124.3), dbSNP rs2035615488, ClinGen allele CA402914322.